The following is an entry in ClinVar:

ClinVar aggregate classification (germline): Uncertain significance (1 of 4 stars; one submission).

Submission:

Labcorp Genetics (formerly Invitae), Labcorp
Classification: Uncertain significance. Last evaluated: 2020-10-27. Review status: criteria provided, single submitter. Criteria: Invitae Variant Classification Sherloc (09022015). Collection method: clinical testing. Allele origin: germline.
Comment: In summary, the available evidence is currently insufficient to determine the role of this variant in disease. Therefore, it has been classified as a Variant of Uncertain Significance. Algorithms developed to predict the effect of missense changes on protein structure and function output the following: SIFT: "Tolerated"; PolyPhen-2: "Benign"; Align-GVGD: "Class C0". The valine amino acid residue is found in multiple mammalian species, suggesting that this missense change does not adversely affect protein function. These predictions have not been confirmed by published functional studies and their clinical significance is uncertain. This variant has been observed in individual(s) with autosomal dominant hereditary coproporphyria (Invitae). This variant is not present in population databases (ExAC no frequency). This sequence change replaces alanine with valine at codon 91 of the CPOX protein (p.Ala91Val). The alanine residue is moderately conserved and there is a small physicochemical difference between alanine and valine.

NM_000097.7(CPOX):c.272C>T (p.Ala91Val)

Genes: CPOX (coproporphyrinogen oxidase; minus strand), LOC129937121 (ATAC-STARR-seq lymphoblastoid silent region 14560; plus strand). Cytogenetic location: 3q11.2.
Variant type: single nucleotide variant.
Coding change: c.272C>T on transcript NM_000097.7 (MANE Select); coding-DNA position 272, C replaced by T.
Protein change: p.Ala91Val; replaces alanine 91 with valine.
Molecular consequence: missense variant.
Genome position (GRCh38, 1-based): chr3:98,593,233, G>A on the plus strand (C>T on the coding strand, the complement: CPOX is on the minus strand). VCF-style: chr3-98593233-G-A. GRCh37 (hg19) VCF-style: chr3-98312077-G-A.
Other names: short protein forms A91V.
Identifiers: ClinVar variation 1036601 (VCV001036601.5), dbSNP rs900358911, ClinGen allele CA80083855.